The following is an entry in ClinVar:

ClinVar aggregate classification (germline): Uncertain significance (1 of 4 stars; one submission).

Conditions:
Congenital contractural arachnodactyly (CCA). Also called: Arthrogryposis, distal, type 9; BEALS SYNDROME; Beals-Hecht syndrome. Identifiers: Orphanet 115, MedGen C0220668, MONDO:0007363, OMIM 121050.

Submission:

Labcorp Genetics (formerly Invitae), Labcorp
Classification: Uncertain significance for Congenital contractural arachnodactyly. Last evaluated: 2021-08-12. Review status: criteria provided, single submitter. Criteria: Invitae Variant Classification Sherloc (09022015). Collection method: clinical testing. Allele origin: germline.
Comment: This variant is a gross deletion of the genomic region encompassing exon(s) 3-8 of the FBN2 gene. This variant would be expected to be in-frame, preserving the integrity of the reading frame. This variant has not been reported in the literature in individuals affected with FBN2-related conditions. Experimental studies and prediction algorithms are not available or were not evaluated, and the functional significance of this variant is currently unknown. In summary, the available evidence is currently insufficient to determine the role of this variant in disease. Therefore, it has been classified as a Variant of Uncertain Significance.

NC_000005.10:g.(?_128408664)_(128530703_?)del

Genes: FBN2 (fibrillin 2; minus strand), LOC126807502 (BRD4-independent group 4 enhancer GRCh37_chr5:127772173-127773372; plus strand). Cytogenetic location: 5q23.3.
Variant type: Deletion.
Identifiers: ClinVar variation 647942 (VCV000647942.9).